The following is an entry in ClinVar:

NM_001130009.3(GEN1):c.179T>G (p.Ile60Ser)

Gene: GEN1 (GEN1 Holliday junction 5' flap endonuclease; plus strand). Cytogenetic location: 2p24.2.
Variant type: single nucleotide variant.
Coding change: c.179T>G on transcript NM_001130009.3 (MANE Select); coding-DNA position 179, T replaced by G.
Protein change: p.Ile60Ser; replaces isoleucine 60 with serine.
Molecular consequence: missense variant.
Genome position (GRCh38, 1-based): chr2:17,761,413, T>G. VCF-style: chr2-17761413-T-G. GRCh37 (hg19) VCF-style: chr2-17942680-T-G.
Other names: c.179T>G, p.Ile60Ser (NM_182625.5); short protein forms I60S.
Identifiers: ClinVar variation 4029202 (VCV004029202.1).

ClinVar aggregate classification (germline): Uncertain significance (1 of 4 stars; one submission).

Submission:

Ambry Genetics
Classification: Uncertain significance. Last evaluated: 2025-04-05. Review status: criteria provided, single submitter. Criteria: Ambry Variant Classification Scheme 2023. Collection method: clinical testing. Allele origin: germline.
Comment: The p.I60S variant (also known as c.179T>G), located in coding exon 2 of the GEN1 gene, results from a T to G substitution at nucleotide position 179. The isoleucine at codon 60 is replaced by serine, an amino acid with dissimilar properties. This amino acid position is conserved. In addition, the in silico prediction for this alteration is inconclusive. Based on the available evidence, the clinical significance of this variant remains unclear.